The following is an entry in ClinVar:

NM_004415.4(DSP):c.1040T>C (p.Ile347Thr)

Gene: DSP (desmoplakin; plus strand). Cytogenetic location: 6p24.3.
Variant type: single nucleotide variant.
Coding change: c.1040T>C on transcript NM_004415.4 (MANE Select); coding-DNA position 1040, T replaced by C.
Protein change: p.Ile347Thr; replaces isoleucine 347 with threonine.
Molecular consequence: missense variant.
Genome position (GRCh38, 1-based): chr6:7,566,477, T>C. VCF-style: chr6-7566477-T-C. GRCh37 (hg19) VCF-style: chr6-7566710-T-C.
Other names: c.1040T>C (LRG_423t1); c.1040T>C, p.Ile347Thr (NM_001008844.3, NM_001319034.2); short protein forms I347T.
Identifiers: ClinVar variation 546441 (VCV000546441.14), dbSNP rs757208743, ClinGen allele CA026704.

ClinVar aggregate classification (germline): Conflicting classifications of pathogenicity. Review status: criteria provided, conflicting classifications (1 of 4 stars). 5 submissions from 5 submitters: Uncertain significance (4); Likely benign (1). Last evaluated 2024-07-11.

Conditions:
Arrhythmogenic right ventricular dysplasia 8 (ARVD8). Also called: Arrhythmogenic Right Ventricular Dysplasia/Cardiomyopathy 8; ARRHYTHMOGENIC RIGHT VENTRICULAR DYSPLASIA, FAMILIAL, 8; ARRHYTHMOGENIC RIGHT VENTRICULAR CARDIOMYOPATHY 8. Identifiers: MedGen C1843896, MONDO:0011831, OMIM 607450.
Arrhythmogenic cardiomyopathy with wooly hair and keratoderma. Also called: Arrhythmogenic cardiomyopathy with woolly hair and keratoderma; Carvajal syndrome; Dilated cardiomyopathy with woolly hair and keratoderma; PALMOPLANTAR KERATODERMA WITH LEFT VENTRICULAR CARDIOMYOPATHY AND WOOLLY HAIR. Identifiers: Orphanet 65282, MedGen C1854063, MONDO:0011581, OMIM 605676.
Cardiovascular phenotype. Identifiers: MedGen CN230736.
Keratosis palmoplantaris striata 2. Also called: Keratosis palmoplantaris striata II; KERATODERMA, PALMOPLANTAR, STRIATE FORM II; STRIATE PALMOPLANTAR KERATODERMA II. Identifiers: MedGen C1852127, MONDO:0013034, OMIM 612908.
Cardiomyopathy, dilated, with wooly hair, keratoderma, and tooth agenesis. Also called: Cardiomyopathy, dilated, with woolly hair, keratoderma, and tooth agenesis; Erythrokeratodermia-cardiomyopathy syndrome. Identifiers: Orphanet 476096, Orphanet 65282, MedGen C4014393, MONDO:0014355, OMIM 615821.
Woolly hair-skin fragility syndrome (WHSF). Identifiers: Orphanet 293165, MedGen C1843292, MONDO:0957307, OMIM 620415.
Lethal acantholytic epidermolysis bullosa (EBLA). Identifiers: Orphanet 158687, MedGen C1864826, MONDO:0012323, OMIM 609638.

Allele frequency attached by ClinVar (database versions not stated): gnomAD exomes below 0.00001 and 0.00001; ExAC 0.00001; gnomAD 0.00002; TOPMed 0.00002.
gnomAD v4.1: 5 of 1,613,374 alleles (0.00031%); highest among the groups gnomAD compares: African/African-American, 0.0053%; no homozygotes.

Submissions (5):

Labcorp Genetics (formerly Invitae), Labcorp
Classification: Likely benign for Arrhythmogenic cardiomyopathy with wooly hair and keratoderma; Arrhythmogenic right ventricular dysplasia 8. Last evaluated: 2024-07-11. Review status: criteria provided, single submitter. Criteria: Invitae Variant Classification Sherloc (09022015). Collection method: clinical testing. Allele origin: germline.

All of Us Research Program, National Institutes of Health
Classification: Uncertain significance for Arrhythmogenic cardiomyopathy with wooly hair and keratoderma. Last evaluated: 2023-12-18. Review status: criteria provided, single submitter. Criteria: ACMG Guidelines, 2015. Collection method: clinical testing. Allele origin: germline. Inheritance: Autosomal dominant inheritance. Observed: 1 variant allele, 1 heterozygote.
Comment: This missense variant replaces isoleucine with threonine at codon 347 of the DSP protein. Computational prediction suggests that this variant may have deleterious impact on protein structure and function (internally defined REVEL score threshold >= 0.7, PMID: 27666373). To our knowledge, functional studies have not been reported for this variant. This variant has not been reported in individuals affected with DSP-related disorders in the literature. This variant has been identified in 2/250700 chromosomes in the general population by the Genome Aggregation Database (gnomAD). The available evidence is insufficient to determine the role of this variant in disease conclusively. Therefore, this variant is classified as a Variant of Uncertain Significance.

This study involves interpretation of variants in research participants for the purpose of population health screening. Participant phenotype was not available at the time of variant classification. Additional details can be found in publication PMID: 35346344, PMCID: PMC8962531

Ambry Genetics
Classification: Uncertain significance for Cardiovascular phenotype. Last evaluated: 2022-08-01. Review status: criteria provided, single submitter. Criteria: Ambry Variant Classification Scheme 2023. Collection method: clinical testing. Allele origin: germline.
Comment: The p.I347T variant (also known as c.1040T>C), located in coding exon 8 of the DSP gene, results from a T to C substitution at nucleotide position 1040. The isoleucine at codon 347 is replaced by threonine, an amino acid with similar properties. This amino acid position is highly conserved in available vertebrate species. In addition, this alteration is predicted to be deleterious by in silico analysis. Since supporting evidence is limited at this time, the clinical significance of this alteration remains unclear.

Fulgent Genetics
Classification: Uncertain significance for Arrhythmogenic cardiomyopathy with wooly hair and keratoderma; Arrhythmogenic right ventricular dysplasia 8; Lethal acantholytic epidermolysis bullosa; Keratosis palmoplantaris striata 2; Cardiomyopathy, dilated, with wooly hair, keratoderma, and tooth agenesis. Last evaluated: 2021-09-03. Review status: criteria provided, single submitter. Criteria: ACMG Guidelines, 2015. Collection method: clinical testing. Allele origin: unknown.

GeneDx
Classification: Uncertain significance. Last evaluated: 2018-05-29. Review status: criteria provided, single submitter. Criteria: GeneDx Variant Classification (06012015). Collection method: clinical testing. Allele origin: germline. Affected: yes.
Comment: A variant of uncertain significance has been identified in the DSP gene. The I347T variant has not been published as pathogenic or been reported as benign to our knowledge. This variant is observed in 2/245492 (0.0008%) alleles from individuals of multiple ethnic backgrounds in large population cohorts (Lek et al., 2016). The I347T variant is a non-conservative amino acid substitution, which is likely to impact secondary protein structure as these residues differ in polarity, charge, size and/or other properties. In-silico analyses, including protein predictors and evolutionary conservation, support a deleterious effect. However, based on the currently available information, it is unclear whether this variant is pathogenic or rare benign.